The following is an entry in ClinVar:

ClinVar aggregate classification (germline): Conflicting classifications of pathogenicity. Review status: criteria provided, conflicting classifications (1 of 4 stars). 10 submissions from 10 submitters: Pathogenic (4); Likely pathogenic (2); Uncertain significance (3). 1 of the submissions does not count toward it. Last evaluated 2026-08-07.

Conditions:
G6PD-related disorder. Also called: G6PD-related condition.
Malaria, susceptibility to. Identifiers: Orphanet 673, MedGen C1970028, MONDO:0021024, OMIM 611162.
Anemia, nonspherocytic hemolytic, due to G6PD deficiency (CNSHA1). Also called: Class I glucose-6-phosphate dehydrogenase deficiency; Favism, susceptibility to; ANEMIA, CONGENITAL, NONSPHEROCYTIC HEMOLYTIC, 1; Hemolytic anemia due to G6PD deficiency. Identifiers: Orphanet 466026, MedGen C2720289, MONDO:0010480, OMIM 300908.
G6PD MEXICO CITY.
G6PD deficiency. Also called: G6PD A-. Identifiers: MedGen C2939465, MONDO:0005775.

Allele frequency attached by ClinVar (database versions not stated): ExAC 0.00003; gnomAD 0.00008 and 0.00007; TOPMed 0.00012.

Submissions (10):

PreventionGenetics, part of Exact Sciences
Classification: Uncertain significance for G6PD-related condition. Last evaluated: 2026-08-07. Review status: criteria provided, single submitter. Criteria: ACMG Guidelines, 2015. Collection method: clinical testing. Allele origin: germline.
Comment: The G6PD c.680G>A variant is predicted to result in the amino acid substitution p.Arg227Gln. This variant, alternatively referred to as "Mexico City" using legacy nomenclature or p.Arg257Gln using the NM_000402.2 transcript, has been reported in the hemizygous state in at least two individuals with G6PD deficiency and acute hemolytic anemia (Beutler et al. 1992. PubMed ID: 1611091; Silva et al. 2025. PubMed ID: 41183279). An in vitro experimental study using purified recombinant protein suggests this variant decreases enzyme activity to 57% of wildtype activity (Gómez-Manzo et al. 2014. PubMed ID: 25407525). This variant is reported in 0.018% of alleles in individuals of Latino descent in gnomAD, including seven hemizygous individuals. Alternate missense substitutions affecting the same amino acid position (p.Arg227Leu and p.Arg227Trp) have been reported in the hemizygous state in individuals with G6PD deficiency and acute hemolytic anemia; however, some hemizygous carriers were asymptomatic (Beutler et al. 1989. PubMed ID: 2572288; Jablonska-Skwiecinska et al. 1999. PubMed ID: 10571945). At this time, the clinical significance of the c.680G>A (p.Arg227Gln) variant is uncertain due to the absence of conclusive functional and genetic evidence.

Labcorp Genetics (formerly Invitae), Labcorp
Classification: Uncertain significance for Anemia, nonspherocytic hemolytic, due to G6PD deficiency. Last evaluated: 2025-12-18. Review status: criteria provided, single submitter. Criteria: Invitae Variant Classification Sherloc (09022015). Collection method: clinical testing. Allele origin: germline.
Comment: This sequence change replaces arginine, which is basic and polar, with glutamine, which is neutral and polar, at codon 227 of the G6PD protein (p.Arg227Gln). This variant is present in population databases (rs137852328, gnomAD 0.02%). This missense change has been observed in individual(s) with G6PD deficiency (PMID: 1611091). This variant is also known as G6PD Mexico City. ClinVar contains an entry for this variant (Variation ID: 10395). Invitae Evidence Modeling of protein sequence and biophysical properties (such as structural, functional, and spatial information, amino acid conservation, physicochemical variation, residue mobility, and thermodynamic stability) indicates that this missense variant is expected to disrupt G6PD protein function with a positive predictive value of 95%. Experimental studies have shown that this missense change affects G6PD function (PMID: 25407525). This variant disrupts the p.Arg227 amino acid residue in G6PD. Other variant(s) that disrupt this residue have been observed in individuals with G6PD-related conditions (PMID: 10571945), which suggests that this may be a clinically significant amino acid residue. In summary, the available evidence is currently insufficient to determine the role of this variant in disease. Therefore, it has been classified as a Variant of Uncertain Significance.

Variantyx, Inc.
Classification: Likely pathogenic for Anemia, nonspherocytic hemolytic, due to G6PD deficiency. Last evaluated: 2025-11-07. Review status: criteria provided, single submitter. Criteria: Variantyx Assertion Criteria 2022. Collection method: clinical testing. Allele origin: maternal. Inheritance: X-linked inheritance.
Comment: This is a nonsynonymous variant in the G6PD gene (OMIM: 305900). Pathogenic variants in this gene have been associated with X-linked hemolytic anemia due to G6PD deficiency (favism). The clinical symptoms reported for affected individuals are highly specific for X-linked hemolytic anemia due to G6PD deficiency (favism), which has a limited genetic etiology (PMID: 1611091) (PP4). Functional studies have shown that this variant alters G6PD protein function (PMID: 1611091, 25407525) (PS3_Moderate), and multiple computational algorithms predict a deleterious effect (REVEL score: 0.869) (PP3). An alternate amino acid change at this position (p.Arg227Trp) has been previously reported in similarly affected individuals, which suggests that this residue is biologically important (PMID: 10571945) (PM5). This variant has a 0.0305% maximum allele frequency in non-founder control populations. Based on the current evidence, this variant is classified as likely pathogenic for X-linked hemolytic anemia due to G6PD deficiency (favism).

Dunham Lab, University of Washington
Classification: Pathogenic for Anemia, nonspherocytic hemolytic, due to G6PD deficiency. Last evaluated: 2022-08-12. Review status: criteria provided, single submitter. Criteria: Bayesian ACMG Guidelines, 2018. Collection method: curation. Allele origin: unknown. Affected: yes.
Comment: Decreased activity in red blood cells (35%) (PS3). Affects same amino acid as pathogenic 227R>L (ClinVar ID 10387) (PM5). Below expected carrier frequency in gnomAD (PM2). Reported as pathogenic by ARUP Laboratories (PP5). Post_P 0.994 (odds of pathogenicity 1517, Prior_P 0.1).

Department of Pathology and Laboratory Medicine, Sinai Health System
Classification: Pathogenic for Anemia, nonspherocytic hemolytic, due to G6PD deficiency. Last evaluated: 2022-06-14. Review status: criteria provided, single submitter. Criteria: ACMG Guidelines, 2015. Collection method: research. Allele origin: germline.

Mendelics
Classification: Pathogenic for Anemia, nonspherocytic hemolytic, due to G6PD deficiency. Last evaluated: 2022-05-04. Review status: criteria provided, single submitter. Criteria: Mendelics Assertion Criteria 2019. Collection method: clinical testing. Allele origin: germline.

ARUP Laboratories, Molecular Genetics and Genomics, ARUP Laboratories
Classification: Pathogenic. Last evaluated: 2018-09-21. Review status: criteria provided, single submitter. Criteria: ARUP Molecular Germline Variant Investigation Process. Collection method: clinical testing. Allele origin: germline.

Illumina Laboratory Services, Illumina
Classification: Uncertain significance for Glucose 6 phosphate dehydrogenase deficiency. Last evaluated: 2018-01-12. Review status: criteria provided, single submitter. Criteria: ICSL Variant Classification Criteria 13 December 2019. Collection method: clinical testing. Allele origin: germline.

Juno Genomics, Hangzhou Juno Genomics, Inc
Classification: Likely pathogenic for Anemia, nonspherocytic hemolytic, due to G6PD deficiency; Malaria, susceptibility to. Review status: criteria provided, single submitter. Criteria: ACMG Guidelines, 2015. Collection method: clinical testing. Allele origin: germline.
Comment: Absent from controls (or at extremely low frequency if recessive) in Genome Aggregation Database.;Well-established in vitro or in vivo functional studies supportive of a damaging effect on the gene or gene product.;Novel missense change at an amino acid residue where a different missense change determined to be pathogenic has been seen before.;Patient's phenotype or family history is highly specific for a disease with a single genetic etiology.

OMIM
Classification: other for G6PD MEXICO CITY. Last evaluated: 2017-05-24. Review status: no assertion criteria provided. Collection method: literature only. Allele origin: germline. Not counted in ClinVar's aggregate classification.

Literature cited by the submitters: PubMed 1611091 (cited by 3 submitters); PubMed 25407525 (cited by Labcorp Genetics (formerly Invitae), Labcorp and Variantyx, Inc.); PubMed 10571945 (cited by Labcorp Genetics (formerly Invitae), Labcorp and Variantyx, Inc.); PubMed 1722659 (cited by Variantyx, Inc.); PubMed 6344088 (cited by OMIM).

NM_000402.4(G6PD):c.770G>A (p.Arg257Gln)

Gene: G6PD (glucose-6-phosphate dehydrogenase; minus strand). Cytogenetic location: Xq28.
Variant type: single nucleotide variant.
Coding change: c.770G>A on transcript NM_000402.4; coding-DNA position 770, G replaced by A.
Protein change: p.Arg257Gln; replaces arginine 257 with glutamine.
Molecular consequence: missense variant.
Genome position (GRCh38, 1-based): chrX:154,534,125, C>T on the plus strand (G>A on the coding strand, the complement: G6PD is on the minus strand). VCF-style: chrX-154534125-C-T. GRCh37 (hg19) VCF-style: chrX-153762340-C-T.
Other names: G6PD, ARG227GLN; G6PD Mexico City; c.680G>A, p.Arg227Gln (NM_001042351.3, NM_001360016.2); c.680G>A (NM_001042351.2); short protein forms R227Q, R257Q.
Identifiers: ClinVar variation 10395 (VCV000010395.25), dbSNP rs137852328, ClinGen allele CA121004.